The following is an entry in ClinVar:

ClinVar aggregate classification (germline): Uncertain significance (1 of 4 stars; one submission).

Submission:

Labcorp Genetics (formerly Invitae), Labcorp
Classification: Uncertain significance. Last evaluated: 2024-10-02. Review status: criteria provided, single submitter. Criteria: Invitae Variant Classification Sherloc (09022015). Collection method: clinical testing. Allele origin: germline.
Comment: This sequence change replaces proline, which is neutral and non-polar, with threonine, which is neutral and polar, at codon 436 of the HMCN1 protein (p.Pro436Thr). This variant is not present in population databases (gnomAD no frequency). This variant has not been reported in the literature in individuals affected with HMCN1-related conditions. An algorithm developed to predict the effect of missense changes on protein structure and function (PolyPhen-2) suggests that this variant is likely to be disruptive. In summary, the available evidence is currently insufficient to determine the role of this variant in disease. Therefore, it has been classified as a Variant of Uncertain Significance.

NM_031935.3(HMCN1):c.1306C>A (p.Pro436Thr)

Gene: HMCN1 (hemicentin 1; plus strand). Cytogenetic location: 1q31.1.
Variant type: single nucleotide variant.
Coding change: c.1306C>A on transcript NM_031935.3 (MANE Select); coding-DNA position 1306, C replaced by A.
Protein change: p.Pro436Thr; replaces proline 436 with threonine.
Molecular consequence: missense variant.
Genome position (GRCh38, 1-based): chr1:185,925,067, C>A. VCF-style: chr1-185925067-C-A. GRCh37 (hg19) VCF-style: chr1-185894199-C-A.
Other names: short protein forms P436T.
Identifiers: ClinVar variation 3676509 (VCV003676509.2).